The following is an entry in ClinVar:

ClinVar aggregate classification (germline): Uncertain significance (1 of 4 stars; one submission).

Conditions:
Long QT syndrome (LQTS). Identifiers: MedGen C0023976, MeSH D008133, MONDO:0002442. Disease mechanism: loss of function. Inheritance: Various modes of inheritance.

Submission:

Labcorp Genetics (formerly Invitae), Labcorp
Classification: Uncertain significance for Long QT syndrome. Last evaluated: 2025-07-13. Review status: criteria provided, single submitter. Criteria: Invitae Variant Classification Sherloc (09022015). Collection method: clinical testing. Allele origin: germline.
Comment: This sequence change replaces aspartic acid, which is acidic and polar, with glutamic acid, which is acidic and polar, at codon 3611 of the ANK2 protein (p.Asp3611Glu). This variant is not present in population databases (gnomAD no frequency). This variant has not been reported in the literature in individuals affected with ANK2-related conditions. Invitae Evidence Modeling of protein sequence and biophysical properties (such as structural, functional, and spatial information, amino acid conservation, physicochemical variation, residue mobility, and thermodynamic stability) indicates that this missense variant is not expected to disrupt ANK2 protein function with a negative predictive value of 80%. In summary, the available evidence is currently insufficient to determine the role of this variant in disease. Therefore, it has been classified as a Variant of Uncertain Significance.

NM_001148.6(ANK2):c.10833C>G (p.Asp3611Glu)

Gene: ANK2 (ankyrin 2; plus strand). Cytogenetic location: 4q26.
Variant type: single nucleotide variant.
Coding change: c.10833C>G on transcript NM_001148.6 (MANE Select); coding-DNA position 10833, C replaced by G.
Protein change: p.Asp3611Glu; replaces aspartic acid 3611 with glutamic acid.
Molecular consequence: missense variant.
Genome position (GRCh38, 1-based): chr4:113,363,414, C>G. VCF-style: chr4-113363414-C-G. GRCh37 (hg19) VCF-style: chr4-114284570-C-G.
Other names: c.4551C>G, p.Asp1517Glu (NM_001127493.3); c.4590C>G, p.Asp1530Glu (NM_001354225.2); c.4479C>G, p.Asp1493Glu (NM_001354228.2, NM_001354258.2); c.4557C>G, p.Asp1519Glu (NM_001354230.2); c.4620C>G, p.Asp1540Glu (NM_001354231.2, NM_001354242.2); c.4614C>G, p.Asp1538Glu (NM_001354232.2); c.4575C>G, p.Asp1525Glu (NM_001354235.2, NM_001354246.2, NM_001354265.2); c.4476C>G, p.Asp1492Glu (NM_001354236.2); and 35 more; short protein forms D1398E, D1448E, D1472E, D1479E, D1481E, D1540E, D326E, D3650E.
Identifiers: ClinVar variation 4741038 (VCV004741038.1).